The following is an entry in ClinVar:

ClinVar aggregate classification (germline): Uncertain significance (1 of 4 stars; one submission).

Conditions:
Neonatal-onset encephalopathy with rigidity and seizures. Also called: Lethal neonatal spasticity-epileptic encephalopathy syndrome. Identifiers: Orphanet 435845, MedGen C3281029, MONDO:0013784, OMIM 614498.

Submission:

Labcorp Genetics (formerly Invitae), Labcorp
Classification: Uncertain significance for Neonatal-onset encephalopathy with rigidity and seizures. Last evaluated: 2018-01-05. Review status: criteria provided, single submitter. Criteria: Invitae Variant Classification Sherloc (09022015). Collection method: clinical testing. Allele origin: germline.
Comment: In summary, the available evidence is currently insufficient to determine the role of this variant in disease. Therefore, it has been classified as a Variant of Uncertain Significance. Algorithms developed to predict the effect of missense changes on protein structure and function do not agree on the potential impact of this missense change (SIFT: "Deleterious"; PolyPhen-2: "Benign"; Align-GVGD: "Class C0"). This variant has not been reported in the literature in individuals with BRAT1-related disease. This variant is not present in population databases (ExAC no frequency). This sequence change replaces valine with phenylalanine at codon 146 of the BRAT1 protein (p.Val146Phe). The valine residue is moderately conserved and there is a small physicochemical difference between valine and phenylalanine.

NM_152743.4(BRAT1):c.436G>T (p.Val146Phe)

Gene: BRAT1 (BRCA1 associated ATM activator 1; minus strand). Cytogenetic location: 7p22.3.
Variant type: single nucleotide variant.
Coding change: c.436G>T on transcript NM_152743.4 (MANE Select); coding-DNA position 436, G replaced by T.
Protein change: p.Val146Phe; replaces valine 146 with phenylalanine.
Molecular consequence: missense variant. On other transcripts: 5 prime UTR variant (1), non-coding transcript variant (1).
Genome position (GRCh38, 1-based): chr7:2,543,957, C>A on the plus strand (G>T on the coding strand, the complement: BRAT1 is on the minus strand). VCF-style: chr7-2543957-C-A. GRCh37 (hg19) VCF-style: chr7-2583591-C-A.
Other names: c.436G>T, p.Val146Phe (NM_001350626.2); c.-90G>T (NM_001350627.2); short protein forms V146F.
Identifiers: ClinVar variation 582512 (VCV000582512.8), dbSNP rs553504175, ClinGen allele CA366632486.